The following is an entry in ClinVar:

NM_004655.4(AXIN2):c.957-17C>T

Gene: AXIN2 (axin 2; minus strand). Cytogenetic location: 17q24.1.
Variant type: single nucleotide variant.
Coding change: c.957-17C>T on transcript NM_004655.4 (MANE Select); 17 bases into the intron before coding-DNA position 957, C replaced by T.
Molecular consequence: intron variant.
Genome position (GRCh38, 1-based): chr17:65,541,574, G>A on the plus strand (C>T on the coding strand, the complement: AXIN2 is on the minus strand). VCF-style: chr17-65541574-G-A. GRCh37 (hg19) VCF-style: chr17-63537692-G-A.
Other names: c.957-17C>T (NM_001363813.1).
Identifiers: ClinVar variation 2883209 (VCV002883209.4), dbSNP rs2544197226, ClinGen allele CA2739268327.

ClinVar aggregate classification (germline): Likely benign. Review status: criteria provided, multiple submitters, no conflicts (2 of 4 stars). 2 submissions from 2 submitters: Likely benign (2). Last evaluated 2024-06-28.

Conditions:
Oligodontia-cancer predisposition syndrome. Also called: TOOTH AGENESIS-COLORECTAL CANCER SYNDROME. Identifiers: Orphanet 300576, MedGen C1837750, MONDO:0012075, OMIM 608615. Disease mechanism: loss of function.

Submissions (2):

Myriad Genetics, Inc.
Classification: Likely benign for Oligodontia-cancer predisposition syndrome. Last evaluated: 2024-06-28. Review status: criteria provided, single submitter. Criteria: Myriad Autosomal Dominant, Autosomal Recessive and X-Linked Classification Criteria (2023). Collection method: clinical testing. Allele origin: unknown.
Comment: This variant is considered likely benign. This variant is intronic and is not expected to impact mRNA splicing.

Labcorp Genetics (formerly Invitae), Labcorp
Classification: Likely benign for Oligodontia-cancer predisposition syndrome. Last evaluated: 2023-07-28. Review status: criteria provided, single submitter. Criteria: Invitae Variant Classification Sherloc (09022015). Collection method: clinical testing. Allele origin: germline.